The following is an entry in ClinVar:

NM_000188.3(HK1):c.2035+1G>A

Gene: HK1 (hexokinase 1; plus strand). Cytogenetic location: 10q22.1.
Variant type: single nucleotide variant.
Coding change: c.2035+1G>A on transcript NM_000188.3 (MANE Select); the canonical splice donor site of the intron after coding-DNA position 2035, G replaced by A.
Molecular consequence: splice donor variant.
Genome position (GRCh38, 1-based): chr10:69,389,297, G>A. VCF-style: chr10-69389297-G-A. GRCh37 (hg19) VCF-style: chr10-71149053-G-A.
Other names: c.2047+1G>A (NM_001322364.2, NM_001358263.1, NM_033498.3 and 1 more transcripts); c.2032+1G>A (NM_033496.3); c.1951+1G>A (NM_001322366.1); c.1939+1G>A (NM_001322367.1); c.1999+1G>A (NM_033500.2); c.2140+1G>A (NM_001322365.2).
Identifiers: ClinVar variation 3365441 (VCV003365441.2).

ClinVar aggregate classification (germline): Uncertain significance. Review status: criteria provided, multiple submitters, no conflicts (2 of 4 stars). 2 submissions from 2 submitters: Uncertain significance (2). Last evaluated 2025-11-21.

Conditions:
Retinitis pigmentosa 79 (RP79). Identifiers: MedGen C4479526, MONDO:0044320, OMIM 617460.

Submissions (2):

3billion
Classification: Uncertain significance for Retinitis pigmentosa 79. Last evaluated: 2025-11-21. Review status: criteria provided, single submitter. Criteria: ACMG Guidelines, 2015. Collection method: clinical testing. Allele origin: germline. Affected: yes.
Comment: The variant is not observed in the gnomAD v4.1.0 dataset. Predicted Consequence/Location: Canonical splice site: predicted to alter splicing and result in a loss or disruption of normal protein function. Multiple pathogenic loss-of-function variants are reported downstream of the variant. In silico tools predict the variant to alter splicing and produce an abnormal transcript [SpliceAI: 1.00 (spliceogenicity >=0.2, non-spliceogenicity <0.1)]. The variant has been reported as of uncertain significance (ClinVar ID: VCV003365441; 3billion dataset).However, the evidence of pathogenicity is insufficient at this time. Therefore, this variant is classified as VUS according to the recommendation of ACMG/AMP guideline.

GeneDx
Classification: Uncertain significance. Last evaluated: 2023-12-15. Review status: criteria provided, single submitter. Criteria: GeneDx Variant Classification Process June 2021. Collection method: clinical testing. Allele origin: germline. Affected: yes.
Comment: Not observed at significant frequency in large population cohorts (gnomAD); Canonical splice site variant in a gene for which loss of function is not a well-established mechanism of disease; Has not been previously published as pathogenic or benign to our knowledge